The following is an entry in ClinVar:

ClinVar aggregate classification (germline): Uncertain significance (1 of 4 stars; one submission).

Conditions:
Cardiovascular phenotype. Identifiers: MedGen CN230736.

Submission:

Ambry Genetics
Classification: Uncertain significance for Cardiovascular phenotype. Last evaluated: 2025-12-31. Review status: criteria provided, single submitter. Criteria: Ambry Variant Classification Scheme 2023. Collection method: clinical testing. Allele origin: germline.
Comment: The c.120_121delAT variant, located in coding exon 1 of the PLN gene, results from a deletion of two nucleotides at nucleotide positions 120 to 121, causing a translational frameshift with a predicted alternate stop codon (p.I40Mfs*20). This variant was reported in individual(s) in a hypertrophic cardiomyopathy (HCM) cohort (Janin A et al. Mol Diagn Ther, 2021 May;25:373-385). This variant is expected to result in protein truncation or nonsense-mediated mRNA decay. However, loss of function has not been established as a mechanism of disease. Based on the available evidence, the clinical significance of this alteration remains unclear.

Literature cited by the submitters: PubMed 33954932.

NM_002667.5(PLN):c.120_121del (p.Ile40fs)

Genes: CEP85L (centrosomal protein 85L; minus strand), PLN (phospholamban; plus strand). Cytogenetic location: 6q22.31.
Variant type: Microsatellite.
Coding change: c.120_121del on transcript NM_002667.5 (MANE Select); coding-DNA positions 120 to 121, 2 bases deleted (AT; older notation c.120_121delAT).
Protein change: p.Ile40fs; shifts the reading frame from isoleucine 40.
Molecular consequence: frameshift variant. On other transcripts: intron variant (3).
Genome position (GRCh38, 1-based): chr6:118,559,041-118,559,042, AT deleted; deleting any 2 consecutive bases within chr6:118,559,039-118,559,042 gives the same sequence; the c. name uses the placement nearest the transcript's 3' end. VCF-style (leftmost placement, unchanged base first): chr6-118559038-AAT-A. GRCh37 (hg19) VCF-style: chr6-118880201-AAT-A.
Other names: c.120_121delAT (NM_002667.3); c.1020+6489_1020+6490del (NM_001042475.3, NM_206921.3); c.118_119AT[1], p.Ile40Metfs (NM_002667.3); c.1029+6489_1029+6490del (NM_001178035.2); short protein forms I40fs.
Identifiers: ClinVar variation 4843044 (VCV004843044.1).
Genomic context (GRCh38, chr6:118,559,038, plus strand): 5'-AATGCCTCAACAAGCACGTCAAAAGCTACAGAATCTATTTATCAATTTCTGTCTCATCTT[AAT>A]ATGTCTCTTGCTGATCTGTATCATCGTGATGCTTCTCTGAAGTTCTGCTACAACCTCTAG-3'